The following is an entry in ClinVar:

ClinVar aggregate classification (germline): Uncertain significance (1 of 4 stars; one submission).

gnomAD v4.1: 4 of 1,614,124 alleles (0.00025%); highest among the groups gnomAD compares: Non-Finnish European, 0.00034%; no homozygotes.

Submission:

Women's Health and Genetics/Laboratory Corporation of America, LabCorp
Classification: Uncertain significance. Last evaluated: 2026-03-27. Review status: criteria provided, single submitter. Criteria: LabCorp Variant Classification Summary - May 2015. Collection method: clinical testing. Allele origin: germline.
Comment: Variant summary: COL7A1 c.4715G>C (p.Gly1572Ala) results in a non-conservative amino acid change in the encoded protein sequence. Algorithms developed to predict the effect of missense changes on protein structure and function all suggest that this variant is likely to be disruptive. This variant disrupts the triple helix domain of COL7A1. Glycine residues within the Gly-Xaa-Yaa repeats of the triple helix domain are required for the structure and stability of fibrillar collagens (PMID: 7695699, 8218237, 19344236). The variant was absent in 251420 control chromosomes (gnomAD). c.4715G>C has been observed in at least one compound heterozygous individual affected with Dystrophic Epidermolysis Bullosa (Almaani_2011). To our knowledge, no experimental evidence demonstrating an impact on protein function has been reported. The following publication have been ascertained in the context of this evaluation (PMID: 21448560). No submitters have cited clinical-significance assessments for this variant to ClinVar. Based on the evidence outlined above, the variant was classified as VUS-possibly pathogenic.

Literature cited by the submitters: PubMed 21448560.

NM_000094.4(COL7A1):c.4715G>C (p.Gly1572Ala)

Gene: COL7A1 (collagen type VII alpha 1 chain; minus strand). Cytogenetic location: 3p21.31.
Variant type: single nucleotide variant.
Coding change: c.4715G>C on transcript NM_000094.4 (MANE Select); coding-DNA position 4715, G replaced by C.
Protein change: p.Gly1572Ala; replaces glycine 1572 with alanine.
Molecular consequence: missense variant.
Genome position (GRCh38, 1-based): chr3:48,581,713, C>G on the plus strand (G>C on the coding strand, the complement: COL7A1 is on the minus strand). VCF-style: chr3-48581713-C-G. GRCh37 (hg19) VCF-style: chr3-48619146-C-G.
Other names: short protein forms G1572A.
Identifiers: ClinVar variation 4847624 (VCV004847624.1).